The following is an entry in ClinVar:

ClinVar aggregate classification (germline): Uncertain significance (1 of 4 stars; one submission).

Conditions:
Frasier syndrome. Identifiers: Orphanet 347, MedGen C0950122, MeSH D052159, MONDO:0007635, OMIM 136680.
Drash syndrome (DDS). Also called: NEPHROPATHY, WILMS TUMOR, AND GENITAL ANOMALIES; WILMS TUMOR AND PSEUDO- OR TRUE HERMAPHRODITISM. Identifiers: Orphanet 220, MedGen C0950121, MONDO:0008682, OMIM 194080.
Wilms tumor 1 (WT1). Also called: Wilms tumor, somatic. Identifiers: Orphanet 654, MedGen CN033288, MONDO:0008679, OMIM 194070.
11p partial monosomy syndrome (WAGR). Also called: CHROMOSOME 11p13 DELETION SYNDROME; WAGR syndrome; WAGR Complex; WAGR Spectrum Disorder. Identifiers: Orphanet 893, MedGen C0206115, MONDO:0008681, OMIM 194072.

Submission:

Labcorp Genetics (formerly Invitae), Labcorp
Classification: Uncertain significance for Wilms tumor 1; Drash syndrome; 11p partial monosomy syndrome; Frasier syndrome. Last evaluated: 2023-07-12. Review status: criteria provided, single submitter. Criteria: Invitae Variant Classification Sherloc (09022015). Collection method: clinical testing. Allele origin: germline.
Comment: In summary, the available evidence is currently insufficient to determine the role of this variant in disease. Therefore, it has been classified as a Variant of Uncertain Significance. An algorithm developed to predict the effect of missense changes on protein structure and function (PolyPhen-2) suggests that this variant is likely to be disruptive. This variant has not been reported in the literature in individuals affected with WT1-related conditions. This variant is not present in population databases (gnomAD no frequency). This sequence change replaces phenylalanine, which is neutral and non-polar, with serine, which is neutral and polar, at codon 164 of the WT1 protein (p.Phe164Ser).

NM_024426.6(WT1):c.506T>C (p.Phe169Ser)

Genes: WT1 (WT1 transcription factor; minus strand), LOC107982234 (WT1/WT1-AS bi-directional promoter region; plus strand). Cytogenetic location: 11p13.
Variant type: single nucleotide variant.
Coding change: c.506T>C on transcript NM_024426.6 (MANE Select); coding-DNA position 506, T replaced by C.
Protein change: p.Phe169Ser; replaces phenylalanine 169 with serine.
Molecular consequence: missense variant. On other transcripts: non-coding transcript variant (2).
Genome position (GRCh38, 1-based): chr11:32,434,855, A>G on the plus strand (T>C on the coding strand, the complement: WT1 is on the minus strand). VCF-style: chr11-32434855-A-G. GRCh37 (hg19) VCF-style: chr11-32456401-A-G.
Other names: c.506T>C, p.Phe169Ser (NM_000378.6, NM_001407044.1, NM_001407045.1 and 6 more transcripts); c.491T>C, p.Phe164Ser (NM_024425.2); short protein forms F164S, F169S.
Identifiers: ClinVar variation 2949798 (VCV002949798.3), dbSNP rs2494478274, ClinGen allele CA379964844.
Genomic context (GRCh38, chr11:32,434,855, plus strand): 5'-GGAGGAGGACCGAAGGGCCCGTAGCGACAGGCTCCGGCTGTGCCAGTGAACTGGCCGGAA[A>G]AGTGGACAGTGAAGGCGCTCAGGCACTGCTCCTCGTGCGGCTCCGCGCCGCCCCAGCTCG-3'
Protein context (NP_077744.4, residues 159-179): EQCLSAFTVH[Phe169Ser]SGQFTGTAGA